The following is an entry in ClinVar:

ClinVar aggregate classification (germline): Likely benign. Review status: criteria provided, multiple submitters, no conflicts (2 of 4 stars). 3 submissions from 3 submitters: Likely benign (3). Last evaluated 2025-08-01.

Conditions:
Hereditary cancer-predisposing syndrome. Also called: Neoplastic Syndromes, Hereditary; Tumor predisposition; Hereditary Cancer Syndrome; Hereditary neoplastic syndrome. Identifiers: Orphanet 140162, MedGen C0027672, MeSH D009386, MONDO:0015356.

Allele frequency attached by ClinVar (database versions not stated): gnomAD exomes below 0.00001.
gnomAD v4.1: 1 of 1,614,120 alleles (0.000062%); highest among the groups gnomAD compares: Non-Finnish European, 0.000085%; no homozygotes.

Submissions (3):

CeGaT Center for Human Genetics Tuebingen
Classification: Likely benign. Last evaluated: 2025-08-01. Review status: criteria provided, single submitter. Criteria: CeGaT Center For Human Genetics Tuebingen Variant Classification Criteria Version 2. Collection method: clinical testing. Allele origin: germline. Affected: yes. Observed: 1 variant allele.
Comment: SMARCB1: BP4, BP7

Labcorp Genetics (formerly Invitae), Labcorp
Classification: Likely benign. Last evaluated: 2025-06-11. Review status: criteria provided, single submitter. Criteria: Invitae Variant Classification Sherloc (09022015). Collection method: clinical testing. Allele origin: germline.

Ambry Genetics
Classification: Likely benign for Hereditary cancer-predisposing syndrome. Last evaluated: 2023-04-18. Review status: criteria provided, single submitter. Criteria: Ambry Variant Classification Scheme 2023. Collection method: clinical testing. Allele origin: germline.

NM_003073.5(SMARCB1):c.921T>C (p.Phe307=)

Gene: SMARCB1 (SWI/SNF related BAF chromatin remodeling complex subunit B1; plus strand). Cytogenetic location: 22q11.23.
Variant type: single nucleotide variant.
Coding change: c.921T>C on transcript NM_003073.5 (MANE Select); coding-DNA position 921, T replaced by C.
Protein change: p.Phe307=; no amino-acid change (phenylalanine 307 retained).
Molecular consequence: synonymous variant.
Genome position (GRCh38, 1-based): chr22:23,825,350, T>C. VCF-style: chr22-23825350-T-C. GRCh37 (hg19) VCF-style: chr22-24167537-T-C.
Other names: c.894T>C, p.Phe298= (NM_001007468.3); c.948T>C, p.Phe316= (NM_001317946.2); c.975T>C, p.Phe325= (NM_001362877.2).
Identifiers: ClinVar variation 2566866 (VCV002566866.11), dbSNP rs2517724750, ClinGen allele CA513739007.
Genomic context (GRCh38, chr22:23,825,350, plus strand): 5'-GAACTCACCAGAGAAGTTTGCCCTGAAGCTGTGCTCGGAGCTGGGGTTGGGCGGGGAGTT[T>C]GTCACCACCATCGCATACAGCATCCGGGGACAGCTGAGCTGGCATCAGAAGACCTACGCC-3'
Protein context (NP_003064.2, residues 297-317): LCSELGLGGE[Phe307=]VTTIAYSIRG